The following is an entry in ClinVar:

ClinVar aggregate classification (germline): Uncertain significance (1 of 4 stars; one submission).

Conditions:
Familial thoracic aortic aneurysm and aortic dissection (TAAD). Also called: Thoracic aortic aneurysms and dissections. Identifiers: Orphanet 91387, MedGen C4707243, MONDO:0019625.
Hereditary cancer-predisposing syndrome. Also called: Neoplastic Syndromes, Hereditary; Tumor predisposition; Hereditary neoplastic syndrome; Hereditary Cancer Syndrome. Identifiers: Orphanet 140162, MedGen C0027672, MeSH D009386, MONDO:0015356.

Submission:

Ambry Genetics
Classification: Uncertain significance for Hereditary cancer-predisposing syndrome; Familial thoracic aortic aneurysm and aortic dissection. Last evaluated: 2025-04-09. Review status: criteria provided, single submitter. Criteria: Ambry Variant Classification Scheme 2023. Collection method: clinical testing. Allele origin: germline.
Comment: The p.G255S variant (also known as c.763G>A), located in coding exon 5 of the SMAD4 gene, results from a G to A substitution at nucleotide position 763. The glycine at codon 255 is replaced by serine, an amino acid with similar properties. This amino acid position is conserved. In addition, this alteration is predicted to be tolerated by in silico analysis. Based on the available evidence, the clinical significance of this variant remains unclear.

NM_005359.6(SMAD4):c.763G>A (p.Gly255Ser)

Gene: SMAD4 (SMAD family member 4; plus strand). Cytogenetic location: 18q21.2.
Variant type: single nucleotide variant.
Coding change: c.763G>A on transcript NM_005359.6 (MANE Select); coding-DNA position 763, G replaced by A.
Protein change: p.Gly255Ser; replaces glycine 255 with serine.
Molecular consequence: missense variant. On other transcripts: non-coding transcript variant (2).
Genome position (GRCh38, 1-based): chr18:51,058,220, G>A. VCF-style: chr18-51058220-G-A. GRCh37 (hg19) VCF-style: chr18-48584590-G-A.
Other names: c.763G>A, p.Gly255Ser (NM_001407041.1, NM_001407042.1, NM_001407043.1); short protein forms G255S.
Identifiers: ClinVar variation 4043788 (VCV004043788.1).